The following is an entry in ClinVar:

ClinVar aggregate classification (germline): Likely pathogenic (1 of 4 stars; one submission).

Conditions:
Hermansky-Pudlak syndrome (HPS). Also called: ALBINISM WITH HEMORRHAGIC DIATHESIS AND PIGMENTED RETICULOENDOTHELIAL CELLS. Identifiers: Orphanet 79430, MedGen C0079504, MONDO:0019312.

Submission:

Natera, Inc.
Classification: Likely pathogenic for Hermansky-Pudlak syndrome. Last evaluated: 2025-08-31. Review status: criteria provided, single submitter. Criteria: Natera Variant Classification Schema (03/2026). Collection method: clinical testing. Allele origin: germline.
Comment: The c.1160del variant in HPS3 is a frameshift variant predicted to shift the reading frame beginning at codon 387 and leads to a stop codon 28 codons downstream. This variant is expected to result in nonsense mediated decay, truncation, or a dysfunctional protein product. This variant is rare in the general population with a frequency below the threshold expected for the associated phenotype(s). Given the available evidence, this variant is classified as Likely Pathogenic.

NM_032383.5(HPS3):c.1160del (p.Thr387fs)

Gene: HPS3 (HPS3 biogenesis of lysosomal organelles complex 2 subunit 1; plus strand). Cytogenetic location: 3q24.
Variant type: Deletion.
Coding change: c.1160del on transcript NM_032383.5 (MANE Select); coding-DNA position 1160, one base deleted (C; older notation c.1160delC).
Protein change: p.Thr387fs; shifts the reading frame from threonine 387.
Molecular consequence: frameshift variant.
Genome position (GRCh38, 1-based): chr3:149,145,543, C deleted. VCF-style (leftmost placement, unchanged base first): chr3-149145542-AC-A. GRCh37 (hg19) VCF-style: chr3-148863329-AC-A.
Other names: c.665del, p.Thr222fs (NM_001308258.2); short protein forms T222fs, T387fs.
Identifiers: ClinVar variation 4816320 (VCV004816320.1).